The following is an entry in ClinVar:

NM_025099.6(CTC1):c.3387+3G>A

Gene: CTC1 (CST telomere replication complex component 1; minus strand). Cytogenetic location: 17p13.1.
Variant type: single nucleotide variant.
Coding change: c.3387+3G>A on transcript NM_025099.6 (MANE Select); 3 bases into the intron after coding-DNA position 3387, G replaced by A.
Molecular consequence: intron variant.
Genome position (GRCh38, 1-based): chr17:8,228,724, C>T on the plus strand (G>A on the coding strand, the complement: CTC1 is on the minus strand). VCF-style: chr17-8228724-C-T. GRCh37 (hg19) VCF-style: chr17-8132042-C-T.
Identifiers: ClinVar variation 1691968 (VCV001691968.1), dbSNP rs2151498493, ClinGen allele CA2573154552.

ClinVar aggregate classification (germline): Uncertain significance (1 of 4 stars; one submission).

Conditions:
Dyskeratosis congenita. Identifiers: Orphanet 1775, MedGen C0265965, MONDO:0015780.

gnomAD v4.1: 7 of 1,614,014 alleles (0.00043%); highest among the groups gnomAD compares: Non-Finnish European, 0.00059%; no homozygotes.

Submission:

Sema4
Classification: Uncertain significance for Dyskeratosis congenita. Last evaluated: 2021-09-16. Review status: criteria provided, single submitter. Criteria: Sema4 Curation Guidelines. Collection method: curation. Allele origin: germline.
Comment: The CTC1 c.3387+3G>A variant has not been reported in the literature to our knowledge. It was not observed in the large and broad cohorts of the Genome Aggregation Database and has not been reported in ClinVar. Functional studies have not been performed, and in silico predictions of the variant's effect on splicing are inconclusive. The evidence is insufficient to meet ACMG/AMP criteria for classifying the variant as benign or pathogenic. Thus, the clinical significance of this variant is currently uncertain.